The following is an entry in ClinVar:

ClinVar aggregate classification (germline): Uncertain significance. Review status: criteria provided, multiple submitters, no conflicts (2 of 4 stars). 3 submissions from 3 submitters: Uncertain significance (3). Last evaluated 2025-09-10.

Conditions:
Wilson disease (WND). Also called: Wilson's disease. Identifiers: Orphanet 905, MedGen C0019202, MONDO:0010200, OMIM 277900. Disease mechanism: loss of function.

Allele frequency attached by ClinVar (database versions not stated): gnomAD 0.00001; ExAC 0.00004; 1000 Genomes Project 30x 0.00016; 1000 Genomes Project 0.00020.
gnomAD v4.1: 27 of 1,614,176 alleles (0.0017%); highest among the groups gnomAD compares: South Asian, 0.029%; no homozygotes.

Submissions (3):

Color Diagnostics, LLC DBA Color Health
Classification: Uncertain significance for Wilson disease. Last evaluated: 2025-09-10. Review status: criteria provided, single submitter. Criteria: ACMG Guidelines, 2015. Collection method: clinical testing. Allele origin: germline.
Comment: This missense variant replaces serine with cysteine at codon 876 of the ATP7B protein. Computational prediction suggests that this variant may have deleterious impact on protein structure and function. To our knowledge, functional studies have not been reported for this variant. This variant has not been reported in individuals affected with Wilson disease in the literature. This variant has been identified in 12/249586 chromosomes in the general population by the Genome Aggregation Database (gnomAD). The available evidence is insufficient to determine the role of this variant in disease conclusively. Therefore, this variant is classified as a Variant of Uncertain Significance.

Revvity Omics, Revvity
Classification: Uncertain significance for Wilson disease. Last evaluated: 2025-07-18. Review status: criteria provided, single submitter. Criteria: ACMG Guidelines, 2015. Collection method: clinical testing. Allele origin: germline.

All of Us Research Program, National Institutes of Health
Classification: Uncertain significance for Wilson disease. Last evaluated: 2023-04-27. Review status: criteria provided, single submitter. Criteria: ACMG Guidelines, 2015. Collection method: clinical testing. Allele origin: germline. Inheritance: Autosomal recessive inheritance. Observed: 1 variant allele, 1 heterozygote.
Comment: This missense variant replaces serine with cysteine at codon 876 of the ATP7B protein. Computational prediction suggests that this variant may have deleterious impact on protein structure and function (internally defined REVEL score threshold >= 0.7, PMID: 27666373). To our knowledge, functional studies have not been reported for this variant. This variant has not been reported in individuals affected with Wilson disease in the literature. This variant has been identified in 12/249586 chromosomes in the general population by the Genome Aggregation Database (gnomAD). The available evidence is insufficient to determine the role of this variant in disease conclusively. Therefore, this variant is classified as a Variant of Uncertain Significance.

This study involves interpretation of variants in research participants for the purpose of population health screening. Participant phenotype was not available at the time of variant classification. Additional details can be found in publication PMID: 35346344, PMCID: PMC8962531

NM_000053.4(ATP7B):c.2627C>G (p.Ser876Cys)

Gene: ATP7B (ATPase copper transporting beta; minus strand). Cytogenetic location: 13q14.3.
Variant type: single nucleotide variant.
Coding change: c.2627C>G on transcript NM_000053.4 (MANE Select); coding-DNA position 2627, C replaced by G.
Protein change: p.Ser876Cys; replaces serine 876 with cysteine.
Molecular consequence: missense variant.
Genome position (GRCh38, 1-based): chr13:51,950,110, G>C on the plus strand (C>G on the coding strand, the complement: ATP7B is on the minus strand). VCF-style: chr13-51950110-G-C. GRCh37 (hg19) VCF-style: chr13-52524246-G-C.
Other names: c.2393C>G, p.Ser798Cys (NM_001330578.2, NM_001406528.1, NM_001406534.1 and 2 more transcripts); c.2375C>G, p.Ser792Cys (NM_001330579.2, NM_001406531.1, NM_001406532.1 and 1 more transcripts); c.2627C>G, p.Ser876Cys (NM_001406511.1, NM_001406512.1, NM_001406513.1 and 7 more transcripts); c.2594C>G, p.Ser865Cys (NM_001406514.1); c.2531C>G, p.Ser844Cys (NM_001406517.1, NM_001406518.1); c.2387C>G, p.Ser796Cys (NM_001406530.1); c.2297C>G, p.Ser766Cys (NM_001406536.1); c.2483C>G, p.Ser828Cys (NM_001406537.1, NM_001406520.1, NM_001406521.1 and 1 more transcripts); and 8 more; short protein forms S446C, S660C, S682C, S714C, S733C, S760C, S765C, S766C.
Identifiers: ClinVar variation 3075608 (VCV003075608.3), dbSNP rs563353745, ClinGen allele CA6988945.